The following is an entry in ClinVar:

NM_203447.4(DOCK8):c.3234+12C>T

Gene: DOCK8 (dedicator of cytokinesis 8; plus strand). Cytogenetic location: 9p24.3.
Variant type: single nucleotide variant.
Coding change: c.3234+12C>T on transcript NM_203447.4 (MANE Select); 12 bases into the intron after coding-DNA position 3234, C replaced by T.
Molecular consequence: intron variant.
Genome position (GRCh38, 1-based): chr9:399,271, C>T. VCF-style: chr9-399271-C-T. GRCh37 (hg19) VCF-style: chr9-399271-C-T.
Other names: c.3030+12C>T (NM_001193536.2); c.2934+12C>T (NM_001190458.2).
Identifiers: ClinVar variation 515980 (VCV000515980.10), dbSNP rs567265382, ClinGen allele CA4958575.

ClinVar aggregate classification (germline): Likely benign. Review status: criteria provided, multiple submitters, no conflicts (2 of 4 stars). 3 submissions from 3 submitters: Likely benign (3). Last evaluated 2026-02-02.

Conditions:
Combined immunodeficiency due to DOCK8 deficiency (HIES2). Also called: HIES autosomal recessive; HYPER-IgE RECURRENT INFECTION SYNDROME 2, AUTOSOMAL RECESSIVE; DOCK8 Deficiency; Hyper-IgE recurrent infection syndrome, autosomal recessive; HYPER-IgE SYNDROME 2, AUTOSOMAL RECESSIVE, WITH RECURRENT INFECTIONS. Identifiers: Orphanet 217390, MedGen C4722305, MONDO:0009478, OMIM 243700.

Allele frequency attached by ClinVar (database versions not stated): ExAC 0.00002; gnomAD exomes 0.00002 and 0.00003; TOPMed 0.00002; 1000 Genomes Project 0.00020; gnomAD 0.00020.

Submissions (3):

Labcorp Genetics (formerly Invitae), Labcorp
Classification: Likely benign for Combined immunodeficiency due to DOCK8 deficiency. Last evaluated: 2026-02-02. Review status: criteria provided, single submitter. Criteria: Invitae Variant Classification Sherloc (09022015). Collection method: clinical testing. Allele origin: germline.

Blueprint Genetics
Classification: Likely benign. Last evaluated: 2024-06-27. Review status: criteria provided, single submitter. Criteria: ACMG Guidelines, 2015. Collection method: clinical testing. Allele origin: germline.

GeneDx
Classification: Likely benign. Last evaluated: 2018-03-07. Review status: criteria provided, single submitter. Criteria: GeneDx Variant Classification (06012015). Collection method: clinical testing. Allele origin: germline. Affected: yes.
Comment: This variant is considered likely benign or benign based on one or more of the following criteria: it is a conservative change, it occurs at a poorly conserved position in the protein, it is predicted to be benign by multiple in silico algorithms, and/or has population frequency not consistent with disease.